The following is an entry in ClinVar:

NM_031892.3(SH3KBP1):c.1681G>A (p.Gly561Ser)

Gene: SH3KBP1 (SH3 domain containing kinase binding protein 1; minus strand). Cytogenetic location: Xp22.12.
Variant type: single nucleotide variant.
Coding change: c.1681G>A on transcript NM_031892.3 (MANE Select); coding-DNA position 1681, G replaced by A.
Protein change: p.Gly561Ser; replaces glycine 561 with serine.
Molecular consequence: missense variant.
Genome position (GRCh38, 1-based): chrX:19,542,136, C>T on the plus strand (G>A on the coding strand, the complement: SH3KBP1 is on the minus strand). VCF-style: chrX-19542136-C-T. GRCh37 (hg19) VCF-style: chrX-19560254-C-T.
Other names: c.1756G>A (NM_001353891.1); c.1570G>A, p.Gly524Ser (NM_001024666.3); c.967G>A, p.Gly323Ser (NM_001184960.2); c.1552G>A, p.Gly518Ser (NM_001353890.2); c.1756G>A, p.Gly586Ser (NM_001353891.2); c.1627G>A, p.Gly543Ser (NM_001353892.2); c.1579G>A, p.Gly527Ser (NM_001353893.2); c.1450G>A, p.Gly484Ser (NM_001353894.2); and 2 more; short protein forms G280S, G323S, G484S, G503S, G518S, G524S, G527S, G543S.
Identifiers: ClinVar variation 1166887 (VCV001166887.12), dbSNP rs113170456, ClinGen allele CA10364474.
Genomic context (GRCh38, chrX:19,542,136, plus strand): 5'-CTGTTCCCAAAGAGGATGACAGGGGGGAGGGCGCCGCTGAGGACAGAGGGGCTGGCCCAC[C>T]GCCACCTGCTGCCATGGTCCCCGGCTTGGGCGGCAGGGATGCTTTGTTGTCAGACACCTG-3'
Protein context (NP_114098.1, residues 551-571): PKPGTMAAGG[Gly561Ser]GPAPLSSAAP

ClinVar aggregate classification (germline): Benign/Likely benign. Review status: criteria provided, multiple submitters, no conflicts (2 of 4 stars). 3 submissions from 3 submitters: Benign (1); Likely benign (1). 1 of the submissions does not count toward it. Last evaluated 2026-01-23.

Conditions:
SH3KBP1-related disorder. Also called: SH3KBP1-related condition.

Allele frequency attached by ClinVar (database versions not stated): 1000 Genomes Project 0.00053; 1000 Genomes Project 30x 0.00083; gnomAD 0.00208 and 0.00211; ESP Exome Variant Server 0.00275.
gnomAD v4.1: 4,113 of 1,197,835 alleles (0.34%); highest among the groups gnomAD compares: Non-Finnish European, 0.43%; 9 homozygotes.

Submissions (3):

Labcorp Genetics (formerly Invitae), Labcorp
Classification: Benign. Last evaluated: 2026-01-23. Review status: criteria provided, single submitter. Criteria: Invitae Variant Classification Sherloc (09022015). Collection method: clinical testing. Allele origin: germline.

Blueprint Genetics
Classification: Likely benign. Last evaluated: 2024-11-19. Review status: criteria provided, single submitter. Criteria: ACMG Guidelines, 2015. Collection method: clinical testing. Allele origin: germline.

PreventionGenetics, part of Exact Sciences
Classification: Likely benign for SH3KBP1-related condition. Last evaluated: 2024-02-01. Review status: no assertion criteria provided. Collection method: clinical testing. Allele origin: germline. Not counted in ClinVar's aggregate classification.
Comment: This variant is classified as likely benign based on ACMG/AMP sequence variant interpretation guidelines (Richards et al. 2015 PMID: 25741868, with internal and published modifications).